The following is an entry in ClinVar:

ClinVar aggregate classification (germline): Uncertain significance. Review status: criteria provided, multiple submitters, no conflicts (2 of 4 stars). 2 submissions from 2 submitters: Uncertain significance (2). Last evaluated 2022-06-27.

Allele frequency attached by ClinVar (database versions not stated): ESP Exome Variant Server 0.00015; 1000 Genomes Project 0.00020; 1000 Genomes Project 30x 0.00031.
gnomAD v4.1: 35 of 1,603,714 alleles (0.0022%); highest among the groups gnomAD compares: African/African-American, 0.047%; no homozygotes.

Submissions (2):

Labcorp Genetics (formerly Invitae), Labcorp
Classification: Uncertain significance. Last evaluated: 2022-06-27. Review status: criteria provided, single submitter. Criteria: Invitae Variant Classification Sherloc (09022015). Collection method: clinical testing. Allele origin: germline.
Comment: This sequence change falls in intron 3 of the PDE6G gene. It does not directly change the encoded amino acid sequence of the PDE6G protein. This variant is present in population databases (rs368640487, gnomAD 0.05%). This variant has not been reported in the literature in individuals affected with PDE6G-related conditions. Algorithms developed to predict the effect of sequence changes on RNA splicing suggest that this variant may create or strengthen a splice site. In summary, the available evidence is currently insufficient to determine the role of this variant in disease. Therefore, it has been classified as a Variant of Uncertain Significance.

Blueprint Genetics
Classification: Uncertain significance. Last evaluated: 2019-12-13. Review status: criteria provided, single submitter. Criteria: ACMG Guidelines, 2015. Collection method: clinical testing. Allele origin: germline.

NM_002602.4(PDE6G):c.188-14C>A

Gene: PDE6G (phosphodiesterase 6G; minus strand). Cytogenetic location: 17q25.3.
Variant type: single nucleotide variant.
Coding change: c.188-14C>A on transcript NM_002602.4 (MANE Select); 14 bases into the intron before coding-DNA position 188, C replaced by A.
Molecular consequence: intron variant.
Genome position (GRCh38, 1-based): chr17:81,651,164, G>T on the plus strand (C>A on the coding strand, the complement: PDE6G is on the minus strand). VCF-style: chr17-81651164-G-T. GRCh37 (hg19) VCF-style: chr17-79618194-G-T.
Other names: c.188-14C>A (NM_001365724.1, NM_001365725.1).
Identifiers: ClinVar variation 1495991 (VCV001495991.4), dbSNP rs368640487, ClinGen allele CA8838993.